The following is an entry in ClinVar:

NC_000012.12:g.40713595C>T

Genes: CNTN1 (contactin 1; plus strand), LRRK2 (leucine rich repeat kinase 2; plus strand). Cytogenetic location: 12q12.
Variant type: single nucleotide variant.
Molecular consequence: intron variant (on NM_001843.4).
Genome position: GRCh38 VCF-style: chr12-40713595-C-T. GRCh37 (hg19) VCF-style: chr12-41107397-C-T.
Other names: c.-77+21003C>T (NM_001843.4, NM_001256063.2).
Identifiers: ClinVar variation 4796672 (VCV004796672.1).

ClinVar aggregate classification (germline): Uncertain significance (1 of 4 stars; one submission).

Conditions:
Parkinson disease (PD). Identifiers: MedGen C0030567, MeSH D010300, MONDO:0005180.

Submission:

Laboratorio de Medicina Genómica, Centro Medico Nacional 20de Noviembre, Instituto de Seguridad Y Servicios Sociales de Los Trabajadores Del Estado
Classification: Uncertain significance for Parkinson disease. Review status: criteria provided, single submitter. Criteria: ACMG Guidelines, 2015. Collection method: clinical testing. Allele origin: germline. Affected: yes.
Comment: Classified as Uncertain significance based on ACMG criteria: BP4 (multiple computational tools including CADD ~5–8 and RegulomeDB 5–6 predict low functional impact). Although statistically associated after Benjamini–Hochberg correction, no direct regulatory or eQTL evidence was observed. The association may reflect linkage disequilibrium with nearby regulatory variants rather than a primary functional effect.